The following is an entry in ClinVar:

ClinVar aggregate classification (germline): Pathogenic (1 of 4 stars; one submission).

Conditions:
Inborn genetic diseases. Identifiers: MedGen C0950123, MeSH D030342.

Submission:

Ambry Genetics
Classification: Pathogenic for Inborn genetic diseases. Last evaluated: 2017-09-12. Review status: criteria provided, single submitter. Criteria: Ambry Variant Classification Scheme 2023. Collection method: clinical testing. Allele origin: germline.
Comment: The c.4078_4079delCT pathogenic mutation, located in coding exon 28 of the SZT2 gene, results from a deletion of two nucleotides at nucleotide positions 4078 to 4079, causing a translational frameshift with a predicted alternate stop codon (p.L1360Dfs*16). This alteration is expected to result in loss of function by premature protein truncation or nonsense-mediated mRNA decay. As such, this alteration is interpreted as a disease-causing mutation.

NM_001365999.1(SZT2):c.4249_4250del (p.Leu1417fs)

Gene: SZT2 (SZT2 subunit of KICSTOR complex; plus strand). Cytogenetic location: 1p34.2.
Variant type: Microsatellite.
Coding change: c.4249_4250del on transcript NM_001365999.1 (MANE Select); coding-DNA positions 4249 to 4250, 2 bases deleted (CT; older notation c.4249_4250delCT).
Protein change: p.Leu1417fs; shifts the reading frame from leucine 1417.
Molecular consequence: frameshift variant.
Genome position (GRCh38, 1-based): chr1:43,429,785-43,429,786, CT deleted; deleting any 2 consecutive bases within chr1:43,429,780-43,429,786 gives the same sequence; the c. name uses the placement nearest the transcript's 3' end. VCF-style (leftmost placement, unchanged base first): chr1-43429779-ATC-A. GRCh37 (hg19) VCF-style: chr1-43895450-ATC-A.
Other names: c.4078_4079del, p.Leu1360fs (NM_015284.4); short protein forms L1360fs, L1417fs.
Identifiers: ClinVar variation 1737594 (VCV001737594.2), dbSNP rs2545824873, ClinGen allele CA2580611440.